The following is an entry in ClinVar:

ClinVar aggregate classification (germline): Conflicting classifications of pathogenicity. Review status: criteria provided, conflicting classifications (1 of 4 stars). 7 submissions from 7 submitters: Uncertain significance (6); Likely benign (1). Last evaluated 2024-09-18.

Conditions:
Inborn genetic diseases. Identifiers: MedGen C0950123, MeSH D030342.
Neuronal ceroid lipofuscinosis. Also called: Neuronal Ceroid Lipofuscinoses. Identifiers: Orphanet 216, Orphanet 79263, MedGen C0027877, MONDO:0016295. Disease mechanism: loss of function.
Neuronal ceroid lipofuscinosis 5 (CLN5). Also called: CEROID LIPOFUSCINOSIS, NEURONAL, 5, VARIABLE AGE AT ONSET; Neuronal ceroid lipofuscinosis Finnish variant; NEURONAL CEROID LIPOFUSCINOSIS, LATE INFANTILE, FINNISH VARIANT; CLN5-Related Neuronal Ceroid-Lipofuscinosis. Identifiers: Orphanet 168491, Orphanet 228360, MedGen C1850442, MONDO:0009745, OMIM 256731.

Allele frequency attached by ClinVar (database versions not stated): gnomAD 0.00003; TOPMed 0.00006.

Submissions (7):

Blueprint Genetics
Classification: Uncertain significance. Last evaluated: 2024-09-18. Review status: criteria provided, single submitter. Criteria: ACMG Guidelines, 2015. Collection method: clinical testing. Allele origin: germline.

Labcorp Genetics (formerly Invitae), Labcorp
Classification: Uncertain significance for Neuronal ceroid lipofuscinosis. Last evaluated: 2022-10-27. Review status: criteria provided, single submitter. Criteria: Invitae Variant Classification Sherloc (09022015). Collection method: clinical testing. Allele origin: germline.
Comment: This sequence change replaces glycine, which is neutral and non-polar, with arginine, which is basic and polar, at codon 8 of the CLN5 protein (p.Gly8Arg). This variant is present in population databases (rs762873839, gnomAD 0.2%). This variant has not been reported in the literature in individuals affected with CLN5-related conditions. ClinVar contains an entry for this variant (Variation ID: 205122). Algorithms developed to predict the effect of missense changes on protein structure and function output the following: SIFT: "Tolerated"; PolyPhen-2: "Not Available"; Align-GVGD: "Class C0". The arginine amino acid residue is found in multiple mammalian species, which suggests that this missense change does not adversely affect protein function. In summary, the available evidence is currently insufficient to determine the role of this variant in disease. Therefore, it has been classified as a Variant of Uncertain Significance.

Ambry Genetics
Classification: Likely benign for Inborn genetic diseases. Last evaluated: 2022-10-07. Review status: criteria provided, single submitter. Criteria: Ambry Variant Classification Scheme 2023. Collection method: clinical testing. Allele origin: germline.

Genome-Nilou Lab
Classification: Uncertain significance for Neuronal ceroid lipofuscinosis 5. Last evaluated: 2021-09-05. Review status: criteria provided, single submitter. Criteria: ACMG Guidelines, 2015. Collection method: clinical testing. Allele origin: germline. Affected: no.

GeneDx
Classification: Uncertain significance. Last evaluated: 2020-12-14. Review status: criteria provided, single submitter. Criteria: GeneDx Variant Classification Process June 2021. Collection method: clinical testing. Allele origin: germline. Affected: yes.
Comment: In silico analysis supports that this missense variant does not alter protein structure/function; Has not been previously published as pathogenic or benign to our knowledge

Illumina Laboratory Services, Illumina
Classification: Uncertain significance for Neuronal ceroid lipofuscinosis 5. Last evaluated: 2018-01-13. Review status: criteria provided, single submitter. Criteria: ICSL Variant Classification Criteria 13 December 2019. Collection method: clinical testing. Allele origin: germline.

Breakthrough Genomics
Classification: Uncertain significance. Review status: criteria provided, single submitter. Criteria: ACMG Guidelines, 2015. Collection method: not provided. Allele origin: germline. Inheritance: Autosomal recessive inheritance. Affected: yes.

NC_000013.11:g.76991973G>C

Gene: CLN5 (CLN5 lysosomal BMP synthase; plus strand). Cytogenetic location: 13q22.3.
Variant type: single nucleotide variant.
Molecular consequence: missense variant (on NM_006493.2).
Genome position: GRCh38 VCF-style: chr13-76991973-G-C. GRCh37 (hg19) VCF-style: chr13-77566108-G-C.
Other names: p.G8R:GGG>CGG; c.22G>C, p.Gly8Arg (NM_006493.2).
Identifiers: ClinVar variation 205122 (VCV000205122.18), dbSNP rs762873839, ClinGen allele CA313852.